The following is an entry in ClinVar:

NM_001379291.1(BRD4):c.3801T>A (p.Asp1267Glu)

Gene: BRD4 (bromodomain containing 4; minus strand). Cytogenetic location: 19p13.12.
Variant type: single nucleotide variant.
Coding change: c.3801T>A on transcript NM_001379291.1 (MANE Select); coding-DNA position 3801, T replaced by A.
Protein change: p.Asp1267Glu; replaces aspartic acid 1267 with glutamic acid.
Molecular consequence: missense variant.
Genome position (GRCh38, 1-based): chr19:15,238,962, A>T on the plus strand (T>A on the coding strand, the complement: BRD4 is on the minus strand). VCF-style: chr19-15238962-A-T. GRCh37 (hg19) VCF-style: chr19-15349773-A-T.
Other names: c.3801T>A, p.Asp1267Glu (NM_058243.3); short protein forms D1267E.
Identifiers: ClinVar variation 3905141 (VCV003905141.11).
Genomic context (GRCh38, chr19:15,238,962, plus strand): 5'-CTGCTGCTGCTCCTGGCGCCGACGTGCCTCCTCATGGGCCCGCCGGGCCTGCTCCAGCGC[A>T]TCCTCGTCCTCTCGGCTCCTGGGCAGAGGGTCCCAGTCAGCCTGGGGACTGGTGTGGCCC-3'
Protein context (NP_001366220.1, residues 1257-1277): QERMRSREDE[Asp1267Glu]ALEQARRAHE

ClinVar aggregate classification (germline): Conflicting classifications of pathogenicity. Review status: criteria provided, conflicting classifications (1 of 4 stars). 2 submissions from 2 submitters: Uncertain significance (1); Likely benign (1). Last evaluated 2026-04-01.

gnomAD v4.1: 219 of 1,591,120 alleles (0.014%); highest among the groups gnomAD compares: Non-Finnish European, 0.017%; no homozygotes.

Submissions (2):

CeGaT Center for Human Genetics Tuebingen
Classification: Likely benign. Last evaluated: 2026-04-01. Review status: criteria provided, single submitter. Criteria: CeGaT Center For Human Genetics Tuebingen Variant Classification Criteria Version 2. Collection method: clinical testing. Allele origin: germline. Affected: yes. Observed: 1 variant allele.
Comment: BRD4: BS2

Labcorp Genetics (formerly Invitae), Labcorp
Classification: Uncertain significance. Last evaluated: 2025-10-01. Review status: criteria provided, single submitter. Criteria: Invitae Variant Classification Sherloc (09022015). Collection method: clinical testing. Allele origin: germline.
Comment: This sequence change replaces aspartic acid, which is acidic and polar, with glutamic acid, which is acidic and polar, at codon 1267 of the BRD4 protein (p.Asp1267Glu). This variant is present in population databases (rs201360582, gnomAD 0.02%). This variant has not been reported in the literature in individuals affected with BRD4-related conditions. ClinVar contains an entry for this variant (Variation ID: 3905141). An algorithm developed to predict the effect of missense changes on protein structure and function (PolyPhen-2) suggests that this variant is likely to be tolerated. In summary, the available evidence is currently insufficient to determine the role of this variant in disease. Therefore, it has been classified as a Variant of Uncertain Significance.